The following is an entry in ClinVar:

ClinVar aggregate classification (germline): Uncertain significance (1 of 4 stars; one submission).

gnomAD v4.1: 2 of 1,614,144 alleles (0.00012%); highest among the groups gnomAD compares: South Asian, 0.0011%; no homozygotes.

Submission:

Labcorp Genetics (formerly Invitae), Labcorp
Classification: Uncertain significance. Last evaluated: 2024-09-30. Review status: criteria provided, single submitter. Criteria: Invitae Variant Classification Sherloc (09022015). Collection method: clinical testing. Allele origin: germline.
Comment: This sequence change replaces leucine, which is neutral and non-polar, with phenylalanine, which is neutral and non-polar, at codon 285 of the GTPBP2 protein (p.Leu285Phe). This variant is present in population databases (no rsID available, gnomAD 0.003%). This variant has not been reported in the literature in individuals affected with GTPBP2-related conditions. An algorithm developed to predict the effect of missense changes on protein structure and function (PolyPhen-2) suggests that this variant is likely to be disruptive. In summary, the available evidence is currently insufficient to determine the role of this variant in disease. Therefore, it has been classified as a Variant of Uncertain Significance.

NM_019096.5(GTPBP2):c.853C>T (p.Leu285Phe)

Gene: GTPBP2 (GTP binding protein 2; minus strand). Cytogenetic location: 6p21.1.
Variant type: single nucleotide variant.
Coding change: c.853C>T on transcript NM_019096.5 (MANE Select); coding-DNA position 853, C replaced by T.
Protein change: p.Leu285Phe; replaces leucine 285 with phenylalanine.
Molecular consequence: missense variant.
Genome position (GRCh38, 1-based): chr6:43,624,915, G>A on the plus strand (C>T on the coding strand, the complement: GTPBP2 is on the minus strand). VCF-style: chr6-43624915-G-A. GRCh37 (hg19) VCF-style: chr6-43592652-G-A.
Other names: c.589C>T, p.Leu197Phe (NM_001286216.2); short protein forms L197F, L285F.
Identifiers: ClinVar variation 3607935 (VCV003607935.1).
Genomic context (GRCh38, chr6:43,624,915, plus strand): 5'-CTTCAGCCCTGTCCCTGCCCTAATGCCTCGTACCAATCCCAGTGTTGGCACTGACGAGGA[G>A]CAGGGCGCAGTCGGGGCAGTATGATGTGAGGCCAAAGATGGTGGTGTGTAGGTACTTATG-3'
Protein context (NP_061969.3, residues 275-295): LTSYCPDCAL[Leu285Phe]LVSANTGIAG